The following is an entry in ClinVar:

NM_000203.5(IDUA):c.1047dup (p.Asn350fs)

Gene: IDUA (alpha-L-iduronidase; plus strand). Cytogenetic location: 4p16.3.
Variant type: Duplication.
Coding change: c.1047dup on transcript NM_000203.5 (MANE Select); coding-DNA position 1047, one base duplicated (C; older notation c.1047dupC).
Protein change: p.Asn350fs; shifts the reading frame from asparagine 350.
Molecular consequence: frameshift variant. On other transcripts: non-coding transcript variant (1).
Genome position (GRCh38, 1-based): chr4:1,002,343, C duplicated. VCF-style (leftmost placement, unchanged base first): chr4-1002342-A-AC. GRCh37 (hg19) VCF-style: chr4-996130-A-AC.
Other names: c.651dup, p.Asn218fs (NM_001363576.1); short protein forms N218fs, N350fs.
Identifiers: ClinVar variation 1425548 (VCV001425548.6), dbSNP rs2153022358, ClinGen allele CA2573137570.

ClinVar aggregate classification (germline): Pathogenic (1 of 4 stars; one submission).

Conditions:
Mucopolysaccharidosis type 1. Also called: Mucopolysaccharidosis Type I; IDUA deficiency; MPS I. Identifiers: Orphanet 579, MedGen C0023786, MONDO:0001586.

Submission:

Labcorp Genetics (formerly Invitae), Labcorp
Classification: Pathogenic for Mucopolysaccharidosis type 1. Last evaluated: 2021-10-27. Review status: criteria provided, single submitter. Criteria: Invitae Variant Classification Sherloc (09022015). Collection method: clinical testing. Allele origin: germline.
Comment: This variant is not present in population databases (gnomAD no frequency). This variant has not been reported in the literature in individuals affected with IDUA-related conditions. For these reasons, this variant has been classified as Pathogenic. This sequence change creates a premature translational stop signal (p.Asn350Glnfs*49) in the IDUA gene. It is expected to result in an absent or disrupted protein product. Loss-of-function variants in IDUA are known to be pathogenic (PMID: 11735025, 21480867).

Literature cited by the submitters: PubMed 11735025; PubMed 21480867.